The following is an entry in ClinVar:

ClinVar aggregate classification (germline): Uncertain significance (1 of 4 stars; one submission).

Submission:

GeneDx
Classification: Uncertain significance. Last evaluated: 2024-07-19. Review status: criteria provided, single submitter. Criteria: GeneDx Variant Classification Process June 2021. Collection method: clinical testing. Allele origin: germline. Affected: yes.
Comment: Not observed at significant frequency in large population cohorts (gnomAD); In silico analysis supports that this missense variant has a deleterious effect on protein structure/function; Has not been previously published as pathogenic or benign to our knowledge

NM_000719.7(CACNA1C):c.2542G>A (p.Glu848Lys)

Gene: CACNA1C (calcium voltage-gated channel subunit alpha1 C; plus strand). Cytogenetic location: 12p13.33.
Variant type: single nucleotide variant.
Coding change: c.2542G>A on transcript NM_000719.7 (MANE Select); coding-DNA position 2542, G replaced by A.
Protein change: p.Glu848Lys; replaces glutamic acid 848 with lysine.
Molecular consequence: missense variant.
Genome position (GRCh38, 1-based): chr12:2,593,224, G>A. VCF-style: chr12-2593224-G-A. GRCh37 (hg19) VCF-style: chr12-2702390-G-A.
Other names: c.2542G>A, p.Glu848Lys (NM_001129827.2, NM_001129829.2, NM_001129830.3 and 18 more transcripts); c.2533G>A, p.Glu845Lys (NM_001129844.2); short protein forms E845K, E848K.
Identifiers: ClinVar variation 3573634 (VCV003573634.1).
Genomic context (GRCh38, chr12:2,593,224, plus strand): 5'-ATAAGTGGGAGTGCTGGAGTTATTTAGAATGGTGCTGTTCTTCTTACAGGAGAAGAGGAT[G>A]AGGAGGAGCCAGAGATGCCTGTCGGCCCTCGCCCACGACCACTCTCTGAGCTTCACCTTA-3'
Protein context (NP_000710.5, residues 838-858): PNPETTGEED[Glu848Lys]EEPEMPVGPR